The following is an entry in ClinVar:

NM_022124.6(CDH23):c.1920G>A (p.Thr640=)

Gene: CDH23 (cadherin related 23; plus strand). Cytogenetic location: 10q22.1.
Variant type: single nucleotide variant.
Coding change: c.1920G>A on transcript NM_022124.6 (MANE Select); coding-DNA position 1920, G replaced by A.
Protein change: p.Thr640=; no amino-acid change (threonine 640 retained).
Molecular consequence: synonymous variant.
Genome position (GRCh38, 1-based): chr10:71,682,506, G>A. VCF-style: chr10-71682506-G-A. GRCh37 (hg19) VCF-style: chr10-73442263-G-A.
Other names: c.1920G>A, p.Thr640= (NM_001171930.2, NM_001171931.2); c.1920G>A (NM_022124.5).
Identifiers: ClinVar variation 1146518 (VCV001146518.12), dbSNP rs779025760, ClinGen allele CA5544019.
Genomic context (GRCh38, chr10:71,682,506, plus strand): 5'-GATCAGCGTCAGTCGCCCCCTGGATTATGAACAGATATCCAATGGGCTGATTTATCTGAC[G>A]GTCATGGCCATGGATGCTGGCAACCCCCCTCTCAACAGCACCGTCCCTGTCACCATCGAG-3'
Protein context (NP_071407.4, residues 630-650): EQISNGLIYL[Thr640=]VMAMDAGNPP

ClinVar aggregate classification (germline): Likely benign. Review status: criteria provided, multiple submitters, no conflicts (2 of 4 stars). 4 submissions from 4 submitters: Likely benign (4). Last evaluated 2025-08-11.

Conditions:
CDH23-related disorder. Also called: CDH23-related condition; CDH23-related disorders.

Allele frequency attached by ClinVar (database versions not stated): gnomAD exomes 0.00002 and 0.00008; gnomAD 0.00003 and 0.00004; ExAC 0.00014.
gnomAD v4.1: 36 of 1,613,442 alleles (0.0022%); highest among the groups gnomAD compares: East Asian, 0.029%; no homozygotes.

Submissions (4):

Labcorp Genetics (formerly Invitae), Labcorp
Classification: Likely benign. Last evaluated: 2025-08-11. Review status: criteria provided, single submitter. Criteria: Invitae Variant Classification Sherloc (09022015). Collection method: clinical testing. Allele origin: germline.

PreventionGenetics, part of Exact Sciences
Classification: Likely benign for CDH23-related condition. Last evaluated: 2024-10-28. Review status: criteria provided, single submitter. Criteria: ACMG Guidelines, 2015. Collection method: clinical testing. Allele origin: germline.
Comment: This variant is classified as likely benign based on ACMG/AMP sequence variant interpretation guidelines (Richards et al. 2015 PMID: 25741868, with internal and published modifications).

Blueprint Genetics
Classification: Likely benign. Last evaluated: 2024-09-10. Review status: criteria provided, single submitter. Criteria: ACMG Guidelines, 2015. Collection method: clinical testing. Allele origin: germline.

Breakthrough Genomics
Classification: Likely benign. Review status: criteria provided, single submitter. Criteria: ACMG Guidelines, 2015. Collection method: not provided. Allele origin: germline. Inheritance: Autosomal recessive inheritance. Affected: yes.